The following is an entry in ClinVar:

ClinVar aggregate classification (germline): Uncertain significance (1 of 4 stars; one submission).

Conditions:
Progressive familial heart block type IB (PFHB1B). Identifiers: Orphanet 871, MedGen C1970298, MONDO:0011474, OMIM 604559.

Submission:

Labcorp Genetics (formerly Invitae), Labcorp
Classification: Uncertain significance for Progressive familial heart block type IB. Last evaluated: 2025-12-03. Review status: criteria provided, single submitter. Criteria: Invitae Variant Classification Sherloc (09022015). Collection method: clinical testing. Allele origin: germline.
Comment: This sequence change creates a premature translational stop signal (p.Pro547Thrfs*28) in the TRPM4 gene. It is expected to result in an absent or disrupted protein product. However, the current clinical and genetic evidence is not sufficient to establish whether loss-of-function variants in TRPM4 cause disease. This variant is not present in population databases (gnomAD no frequency). This variant has not been reported in the literature in individuals affected with TRPM4-related conditions. In summary, the available evidence is currently insufficient to determine the role of this variant in disease. Therefore, it has been classified as a Variant of Uncertain Significance.

NM_017636.4(TRPM4):c.1625_1638dup (p.Pro547fs)

Gene: TRPM4 (transient receptor potential cation channel subfamily M member 4; plus strand). Cytogenetic location: 19q13.33.
Variant type: Duplication.
Coding change: c.1625_1638dup on transcript NM_017636.4 (MANE Select); coding-DNA positions 1625 to 1638, 14 bases duplicated (ACAAGGCCACCTCG).
Protein change: p.Pro547fs; shifts the reading frame from proline 547.
Molecular consequence: frameshift variant.
Genome position (GRCh38, 1-based): chr19:49,183,094-49,183,107, ACAAGGCCACCTCG duplicated; duplicating any 14 consecutive bases within chr19:49,183,093-49,183,107 gives the same sequence; the c. name uses the placement nearest the transcript's 3' end. VCF-style (leftmost placement, unchanged base first): chr19-49183092-G-GGACAAGGCCACCTC. GRCh37 (hg19) VCF-style: chr19-49686349-G-GGACAAGGCCACCTC.
Other names: c.1625_1638dup, p.Pro547fs (NM_001195227.2); c.1280_1293dup, p.Pro432fs (NM_001321281.2); c.17_30dup, p.Pro11fs (NM_001321282.2); c.1103_1116dup, p.Pro373fs (NM_001321283.2); c.563_576dup, p.Pro193fs (NM_001321285.2); short protein forms P373fs, P11fs, P193fs, P432fs, P547fs.
Identifiers: ClinVar variation 4745482 (VCV004745482.1).